The following is an entry in ClinVar:

ClinVar aggregate classification (germline): Uncertain significance. Review status: criteria provided, multiple submitters, no conflicts (2 of 4 stars). 2 submissions from 2 submitters: Uncertain significance (2). Last evaluated 2025-05-07.

Conditions:
Inborn genetic diseases. Identifiers: MedGen C0950123, MeSH D030342.

Allele frequency attached by ClinVar (database versions not stated): TOPMed below 0.00001.
gnomAD v4.1: 6 of 1,613,724 alleles (0.00037%); no homozygotes.

Submissions (2):

Ambry Genetics
Classification: Uncertain significance for Inborn genetic diseases. Last evaluated: 2025-05-07. Review status: criteria provided, single submitter. Criteria: Ambry Variant Classification Scheme 2023. Collection method: clinical testing. Allele origin: germline.

Labcorp Genetics (formerly Invitae), Labcorp
Classification: Uncertain significance. Last evaluated: 2022-09-27. Review status: criteria provided, single submitter. Criteria: Invitae Variant Classification Sherloc (09022015). Collection method: clinical testing. Allele origin: germline.
Comment: In summary, the available evidence is currently insufficient to determine the role of this variant in disease. Therefore, it has been classified as a Variant of Uncertain Significance. Advanced modeling of protein sequence and biophysical properties (such as structural, functional, and spatial information, amino acid conservation, physicochemical variation, residue mobility, and thermodynamic stability) performed at Invitae indicates that this missense variant is not expected to disrupt ASPM protein function. ClinVar contains an entry for this variant (Variation ID: 1488244). This variant has not been reported in the literature in individuals affected with ASPM-related conditions. This variant is not present in population databases (gnomAD no frequency). This sequence change replaces valine, which is neutral and non-polar, with leucine, which is neutral and non-polar, at codon 1169 of the ASPM protein (p.Val1169Leu).

NM_018136.5(ASPM):c.3505G>T (p.Val1169Leu)

Gene: ASPM (assembly factor for spindle microtubules; minus strand). Cytogenetic location: 1q31.3.
Variant type: single nucleotide variant.
Coding change: c.3505G>T on transcript NM_018136.5 (MANE Select); coding-DNA position 3505, G replaced by T.
Protein change: p.Val1169Leu; replaces valine 1169 with leucine.
Molecular consequence: missense variant.
Genome position (GRCh38, 1-based): chr1:197,122,481, C>A on the plus strand (G>T on the coding strand, the complement: ASPM is on the minus strand). VCF-style: chr1-197122481-C-A. GRCh37 (hg19) VCF-style: chr1-197091611-C-A.
Other names: c.3505G>T, p.Val1169Leu (NM_001206846.2); c.3505G>T (NM_018136.4); short protein forms V1169L.
Identifiers: ClinVar variation 1488244 (VCV001488244.5), dbSNP rs1657942497, ClinGen allele CA344040286.